The following is an entry in ClinVar:

ClinVar aggregate classification (germline): Uncertain significance (1 of 4 stars; one submission).

Conditions:
Hereditary cancer-predisposing syndrome. Also called: Hereditary Cancer Syndrome; Tumor predisposition; Hereditary neoplastic syndrome; Neoplastic Syndromes, Hereditary. Identifiers: Orphanet 140162, MedGen C0027672, MeSH D009386, MONDO:0015356.

gnomAD v4.1: 1 of 1,613,834 alleles (0.000062%); no homozygotes.

Submission:

Ambry Genetics
Classification: Uncertain significance for Hereditary cancer-predisposing syndrome. Last evaluated: 2024-05-01. Review status: criteria provided, single submitter. Criteria: Ambry Variant Classification Scheme 2023. Collection method: clinical testing. Allele origin: germline.
Comment: The p.D825H variant (also known as c.2473G>C), located in coding exon 9 of the BRCA1 gene, results from a G to C substitution at nucleotide position 2473. The aspartic acid at codon 825 is replaced by histidine, an amino acid with similar properties. This amino acid position is not well conserved in available vertebrate species. In addition, the in silico prediction for this alteration is inconclusive. Based on the available evidence, the clinical significance of this variant remains unclear.

NM_007294.4(BRCA1):c.2473G>C (p.Asp825His)

Gene: BRCA1 (BRCA1 DNA repair associated; minus strand). Cytogenetic location: 17q21.31.
Variant type: single nucleotide variant.
Coding change: c.2473G>C on transcript NM_007294.4 (MANE Select); coding-DNA position 2473, G replaced by C.
Protein change: p.Asp825His; replaces aspartic acid 825 with histidine.
Molecular consequence: missense variant. On other transcripts: intron variant (137).
Genome position (GRCh38, 1-based): chr17:43,093,058, C>G on the plus strand (G>C on the coding strand, the complement: BRCA1 is on the minus strand). VCF-style: chr17-43093058-C-G. GRCh37 (hg19) VCF-style: chr17-41245075-C-G.
Other names: c.2260G>C, p.Asp754His (NM_001407915.1, NM_001407916.1, NM_001407917.1 and 9 more transcripts); c.2350G>C, p.Asp784His (NM_001407919.1, NM_001407937.1, NM_001407938.1 and 19 more transcripts); c.2209G>C, p.Asp737His (NM_001407921.1, NM_001407920.1, NM_001407922.1 and 9 more transcripts); c.2206G>C, p.Asp736His (NM_001407930.1, NM_001407931.1, NM_001407932.1 and 2 more transcripts); c.2347G>C, p.Asp783His (NM_001407940.1, NM_001407941.1, NM_001407649.1 and 11 more transcripts); c.2332G>C, p.Asp778His (NM_001407942.1, NM_001407944.1, NM_001407945.1 and 29 more transcripts); c.2329G>C, p.Asp777His (NM_001407943.1, NM_001407964.1, NM_001407740.1 and 20 more transcripts); c.2140G>C, p.Asp714His (NM_001407946.1, NM_001407947.1, NM_001407948.1 and 6 more transcripts); and 41 more; short protein forms D713H, D758H, D799H, D824H, D754H, D757H, D777H, D778H.
Identifiers: ClinVar variation 3261467 (VCV003261467.1).
Genomic context (GRCh38, chr17:43,093,058, plus strand): 5'-TGCTTGTTTCCCGACTGTGGTTAACTTCATGTCCCAATGGATACTTAAAGCCTTCTGTGT[C>G]ATTTCTATTATCTTTGGAACAACCATGAATTAGTCCCTTGGGGTTTTCAAATGCTGCACA-3'
Protein context (NP_009225.1, residues 815-835): IHGCSKDNRN[Asp825His]TEGFKYPLGH